The following is an entry in ClinVar:

ClinVar aggregate classification (germline): Uncertain significance. Review status: criteria provided, multiple submitters, no conflicts (2 of 4 stars). 2 submissions from 2 submitters: Uncertain significance (2). Last evaluated 2023-06-02.

Allele frequency attached by ClinVar (database versions not stated): gnomAD 0.00001; gnomAD exomes 0.00001; ExAC 0.00002; TOPMed 0.00003.
gnomAD v4.1: 23 of 1,610,672 alleles (0.0014%); highest among the groups gnomAD compares: Admixed American, 0.01%; no homozygotes.

Submissions (2):

Ambry Genetics
Classification: Uncertain significance. Last evaluated: 2023-06-02. Review status: criteria provided, single submitter. Criteria: Ambry Variant Classification Scheme 2023. Collection method: clinical testing. Allele origin: germline.

Labcorp Genetics (formerly Invitae), Labcorp
Classification: Uncertain significance. Last evaluated: 2022-04-06. Review status: criteria provided, single submitter. Criteria: Invitae Variant Classification Sherloc (09022015). Collection method: clinical testing. Allele origin: germline.
Comment: In summary, the available evidence is currently insufficient to determine the role of this variant in disease. Therefore, it has been classified as a Variant of Uncertain Significance. Algorithms developed to predict the effect of missense changes on protein structure and function are either unavailable or do not agree on the potential impact of this missense change (SIFT: "Tolerated"; PolyPhen-2: "Possibly Damaging"; Align-GVGD: "Class C0"). This variant has not been reported in the literature in individuals affected with NDUFA4-related conditions. This variant is present in population databases (rs761230892, gnomAD 0.01%). This sequence change replaces serine, which is neutral and polar, with glycine, which is neutral and non-polar, at codon 72 of the NDUFA4 protein (p.Ser72Gly).

NM_002489.4(COXFA4):c.214A>G (p.Ser72Gly)

Gene: COXFA4 (cytochrome c oxidase associated subunit FA4; minus strand). Cytogenetic location: 7p21.3.
Variant type: single nucleotide variant.
Coding change: c.214A>G on transcript NM_002489.4 (MANE Select); coding-DNA position 214, A replaced by G.
Protein change: p.Ser72Gly; replaces serine 72 with glycine.
Molecular consequence: missense variant.
Genome position (GRCh38, 1-based): chr7:10,933,668, T>C on the plus strand (A>G on the coding strand, the complement: COXFA4 is on the minus strand). VCF-style: chr7-10933668-T-C. GRCh37 (hg19) VCF-style: chr7-10973295-T-C.
Other names: c.214A>G (NM_002489.3); short protein forms S72G.
Identifiers: ClinVar variation 1918500 (VCV001918500.7), dbSNP rs761230892, ClinGen allele CA4162539.